The following is an entry in ClinVar:

ClinVar aggregate classification (germline): Benign. Review status: criteria provided, multiple submitters, no conflicts (2 of 4 stars). 11 submissions from 11 submitters: Benign (7). 4 of the submissions do not count toward it. Last evaluated 2026-02-04.

Conditions:
Hepatoencephalopathy due to combined oxidative phosphorylation defect type 1. Also called: HEPATOENCEPHALOPATHY, EARLY FATAL PROGRESSIVE. Identifiers: Orphanet 137681, MedGen C1836797, MONDO:0012191, OMIM 609060.

Allele frequency attached by ClinVar (database versions not stated): gnomAD exomes 0.52810 and 0.54173; ExAC 0.54671; gnomAD 0.57921 and 0.58201; 1000 Genomes Project 0.58327; TOPMed 0.58380; 1000 Genomes Project 30x 0.58526; ESP Exome Variant Server 0.59842.
gnomAD v4.1: 824,531 of 1,546,236 alleles (53%); highest among the groups gnomAD compares: African/African-American, 73%; 224,008 homozygotes.

Submissions (11):

Labcorp Genetics (formerly Invitae), Labcorp
Classification: Benign. Last evaluated: 2026-02-04. Review status: criteria provided, single submitter. Criteria: Invitae Variant Classification Sherloc (09022015). Collection method: clinical testing. Allele origin: germline.

Blueprint Genetics
Classification: Benign. Last evaluated: 2024-11-26. Review status: criteria provided, single submitter. Criteria: ACMG Guidelines, 2015. Collection method: clinical testing. Allele origin: germline.

Genome-Nilou Lab
Classification: Benign for Hepatoencephalopathy due to combined oxidative phosphorylation defect type 1. Last evaluated: 2021-07-10. Review status: criteria provided, single submitter. Criteria: ACMG Guidelines, 2015. Collection method: clinical testing. Allele origin: germline. Affected: no.

Mendelics
Classification: Benign for Hepatoencephalopathy due to combined oxidative phosphorylation defect type 1. Last evaluated: 2019-05-28. Review status: criteria provided, single submitter. Criteria: Mendelics Assertion Criteria 2017. Collection method: clinical testing. Allele origin: unknown.

Illumina Laboratory Services, Illumina
Classification: Benign for Hepatoencephalopathy due to combined oxidative phosphorylation defect type 1. Last evaluated: 2018-01-12. Review status: criteria provided, single submitter. Criteria: ICSL Variant Classification Criteria 13 December 2019. Collection method: clinical testing. Allele origin: germline.
Comment: This variant was observed in the ICSL laboratory as part of a predisposition screen in an ostensibly healthy population. It had not been previously curated by ICSL or reported in the Human Gene Mutation Database (HGMD: prior to June 1st, 2018), and was therefore a candidate for classification through an automated scoring system. Utilizing variant allele frequency, disease prevalence and penetrance estimates, and inheritance mode, an automated score was calculated to assess if this variant is too frequent to cause the disease. Based on the score and internal cut-off values, a variant classified as benign is not then subjected to further curation. The score for this variant resulted in a classification of benign for this disease.

GeneDx
Classification: Benign. Last evaluated: 2015-03-03. Review status: criteria provided, single submitter. Criteria: GeneDx Variant Classification Process June 2021. Collection method: clinical testing. Allele origin: germline. Affected: yes.

Breakthrough Genomics
Classification: Benign. Review status: criteria provided, single submitter. Criteria: ACMG Guidelines, 2015. Collection method: not provided. Allele origin: germline. Inheritance: Autosomal recessive inheritance. Affected: yes.

Natera, Inc.
Classification: Benign for Combined oxidative phosphorylation deficiency 1. Last evaluated: 2019-11-18. Review status: no assertion criteria provided. Collection method: clinical testing. Allele origin: germline. Not counted in ClinVar's aggregate classification.

Mayo Clinic Laboratories, Mayo Clinic
Classification: Benign. Last evaluated: 2016-02-16. Review status: no assertion criteria provided. Collection method: clinical testing. Allele origin: unknown. Not counted in ClinVar's aggregate classification.

Diagnostic Laboratory, Department of Genetics, University Medical Center Groningen
Classification: Benign. Review status: no assertion criteria provided. Collection method: clinical testing. Allele origin: germline. Affected: yes. Study: VKGL Data-share Consensus. Not counted in ClinVar's aggregate classification.

Joint Genome Diagnostic Labs from Nijmegen and Maastricht, Radboudumc and MUMC+
Classification: Benign. Review status: no assertion criteria provided. Collection method: clinical testing. Allele origin: germline. Affected: yes. Study: VKGL Data-share Consensus. Not counted in ClinVar's aggregate classification.

NM_024996.7(GFM1):c.643G>A (p.Val215Ile)

Gene: GFM1 (G elongation factor mitochondrial 1; plus strand). Cytogenetic location: 3q25.32.
Variant type: single nucleotide variant.
Coding change: c.643G>A on transcript NM_024996.7 (MANE Select); coding-DNA position 643, G replaced by A.
Protein change: p.Val215Ile; replaces valine 215 with isoleucine.
Molecular consequence: missense variant. On other transcripts: non-coding transcript variant (2), intron variant (3).
Genome position (GRCh38, 1-based): chr3:158,649,111, G>A. VCF-style: chr3-158649111-G-A. GRCh37 (hg19) VCF-style: chr3-158366900-G-A.
Other names: c.643G>A, p.Val215Ile (NM_001308164.2, NM_001308166.2, NM_001374355.1); c.418G>A, p.Val140Ile (NM_001374357.1); c.76G>A, p.Val26Ile (NM_001374359.1, NM_001374360.1); c.572+2164G>A (NM_001374356.1); c.6-2985G>A (NM_001374361.1); c.235-2989G>A (NM_001374358.1); short protein forms V215I, V140I, V26I.
Identifiers: ClinVar variation 343925 (VCV000343925.31), dbSNP rs2303909, ClinGen allele CA2682376.
Genomic context (GRCh38, chr3:158,649,111, plus strand): 5'-AATCATAATGCAGCGTTTATGCAGATACCCATGGGTTTGGAGGGTAATTTTAAAGGTATT[G>A]TAGATCTTATTGAGGAACGAGCCATCTATTTTGATGGAGACTTTGGGTAAGTGCTAAAAA-3'
Protein context (NP_079272.4, residues 205-225): MGLEGNFKGI[Val215Ile]DLIEERAIYF